The following is an entry in ClinVar:

NM_000137.4(FAH):c.342G>A (p.Thr114=)

Genes: FAH (fumarylacetoacetate hydrolase; plus strand), LOC112272621 (Sharpr-MPRA regulatory region 12283; plus strand). Cytogenetic location: 15q25.1.
Variant type: single nucleotide variant.
Coding change: c.342G>A on transcript NM_000137.4 (MANE Select); coding-DNA position 342, G replaced by A.
Protein change: p.Thr114=; no amino-acid change (threonine 114 retained).
Molecular consequence: synonymous variant.
Genome position (GRCh38, 1-based): chr15:80,160,437, G>A. VCF-style: chr15-80160437-G-A. GRCh37 (hg19) VCF-style: chr15-80452779-G-A.
Other names: c.342G>A (NM_000137.2); c.342G>A, p.Thr114= (NM_001374377.1, NM_001374380.1).
Identifiers: ClinVar variation 1146529 (VCV001146529.11), dbSNP rs773312072, ClinGen allele CA7691105.

ClinVar aggregate classification (germline): Likely benign. Review status: criteria provided, single submitter (1 of 4 stars). 2 submissions from 2 submitters: Likely benign (1). 1 of the submissions does not count toward it. Last evaluated 2023-07-06.

Conditions:
Tyrosinemia type I (TYRSN1). Also called: Tyrosinemia type 1; Fumarylacetoacetase deficiency; Deficiency of fumarylacetoacetase; FAH DEFICIENCY; HEPATORENAL TYROSINEMIA. Identifiers: Orphanet 882, MedGen C0268490, MONDO:0010161, OMIM 276700. Disease mechanism: loss of function.
FAH-related disorder. Also called: FAH-related condition.

Allele frequency attached by ClinVar (database versions not stated): gnomAD exomes below 0.00001 and 0.00001; TOPMed below 0.00001; ExAC 0.00001.
gnomAD v4.1: 12 of 1,614,212 alleles (0.00074%); highest among the groups gnomAD compares: East Asian, 0.0022%; no homozygotes.

Submissions (2):

Labcorp Genetics (formerly Invitae), Labcorp
Classification: Likely benign for Tyrosinemia type I. Last evaluated: 2023-07-06. Review status: criteria provided, single submitter. Criteria: Invitae Variant Classification Sherloc (09022015). Collection method: clinical testing. Allele origin: germline.

PreventionGenetics, part of Exact Sciences
Classification: Likely benign for FAH-related condition. Last evaluated: 2023-07-27. Review status: no assertion criteria provided. Collection method: clinical testing. Allele origin: germline. Not counted in ClinVar's aggregate classification.
Comment: This variant is classified as likely benign based on ACMG/AMP sequence variant interpretation guidelines (Richards et al. 2015 PMID: 25741868, with internal and published modifications).